The following is an entry in ClinVar:

ClinVar aggregate classification (germline): Uncertain significance (1 of 4 stars; one submission).

Conditions:
Gorlin syndrome. Also called: Nevoid Basal Cell Carcinoma Syndrome; Basal cell nevus syndrome. Identifiers: Orphanet 377, MedGen C0004779, MONDO:0007187.

Submission:

Labcorp Genetics (formerly Invitae), Labcorp
Classification: Uncertain significance for Gorlin syndrome. Last evaluated: 2025-12-28. Review status: criteria provided, single submitter. Criteria: Invitae Variant Classification Sherloc (09022015). Collection method: clinical testing. Allele origin: germline.
Comment: This sequence change replaces serine, which is neutral and polar, with phenylalanine, which is neutral and non-polar, at codon 1221 of the PTCH1 protein (p.Ser1221Phe). This variant is not present in population databases (gnomAD no frequency). This variant has not been reported in the literature in individuals affected with PTCH1-related conditions. ClinVar contains an entry for this variant (Variation ID: 1020839). Invitae Evidence Modeling of protein sequence and biophysical properties (such as structural, functional, and spatial information, amino acid conservation, physicochemical variation, residue mobility, and thermodynamic stability) has been performed for this missense variant. However, the output from this modeling did not meet the statistical confidence thresholds required to predict the impact of this variant on PTCH1 protein function. In summary, the available evidence is currently insufficient to determine the role of this variant in disease. Therefore, it has been classified as a Variant of Uncertain Significance.

NM_000264.5(PTCH1):c.3662C>T (p.Ser1221Phe)

Gene: PTCH1 (patched 1; minus strand). Cytogenetic location: 9q22.32.
Variant type: single nucleotide variant.
Coding change: c.3662C>T on transcript NM_000264.5 (MANE Select); coding-DNA position 3662, C replaced by T.
Protein change: p.Ser1221Phe; replaces serine 1221 with phenylalanine.
Molecular consequence: missense variant. On other transcripts: non-coding transcript variant (1).
Genome position (GRCh38, 1-based): chr9:95,449,211, G>A on the plus strand (C>T on the coding strand, the complement: PTCH1 is on the minus strand). VCF-style: chr9-95449211-G-A. GRCh37 (hg19) VCF-style: chr9-98211493-G-A.
Other names: c.3464C>T, p.Ser1155Phe (NM_001083602.3); c.3659C>T, p.Ser1220Phe (NM_001083603.3); c.3209C>T, p.Ser1070Phe (NM_001083604.3, NM_001083605.3, NM_001083606.3 and 1 more transcripts); c.3506C>T, p.Ser1169Phe (NM_001354918.2); short protein forms S1070F, S1155F, S1169F, S1220F, S1221F.
Identifiers: ClinVar variation 1020839 (VCV001020839.9), dbSNP rs1838221565, ClinGen allele CA374111195.
Genomic context (GRCh38, chr9:95,449,211, plus strand): 5'-TAGTGCCGAAGCTCCTCGCTGAGGCCTGACACTGTCGTCTGGGAACTATACTCCGAGTCG[G>A]AGGAATCAGACCCGCTGTGCGTGTGGCCGGGCGGCATGGCGAAGCGGACCACGCTGGGGG-3'
Protein context (NP_000255.2, residues 1211-1231): PGHTHSGSDS[Ser1221Phe]DSEYSSQTTV